The following is an entry in ClinVar:

ClinVar aggregate classification (germline): Uncertain significance (1 of 4 stars; one submission).

Submission:

GeneDx
Classification: Uncertain significance. Last evaluated: 2025-05-29. Review status: criteria provided, single submitter. Criteria: GeneDx Variant Classification Process June 2021. Collection method: clinical testing. Allele origin: germline. Affected: yes.
Comment: Not observed at significant frequency in large population cohorts (gnomAD); In silico analysis supports that this missense variant has a deleterious effect on protein structure/function; Has not been previously published as pathogenic or benign to our knowledge

NM_001005273.3(CHD3):c.988A>G (p.Ser330Gly)

Genes: CHD3 (chromodomain helicase DNA binding protein 3; plus strand), LOC126862484 (CDK7 strongly-dependent group 2 enhancer GRCh37_chr17:7797066-7798265; plus strand). Cytogenetic location: 17p13.1.
Variant type: single nucleotide variant.
Coding change: c.988A>G on transcript NM_001005273.3 (MANE Select); coding-DNA position 988, A replaced by G.
Protein change: p.Ser330Gly; replaces serine 330 with glycine.
Molecular consequence: missense variant.
Genome position (GRCh38, 1-based): chr17:7,894,178, A>G. VCF-style: chr17-7894178-A-G. GRCh37 (hg19) VCF-style: chr17-7797496-A-G.
Other names: c.1165A>G, p.Ser389Gly (NM_001005271.3, NM_001437504.1); c.1153A>G, p.Ser385Gly (NM_001437507.1, NM_001437508.1, NM_001437509.1); c.988A>G, p.Ser330Gly (NM_005852.4); short protein forms S330G, S385G, S389G.
Identifiers: ClinVar variation 4532715 (VCV004532715.1).